The following is an entry in ClinVar:

NM_000531.6(OTC):c.1004T>C (p.Met335Thr)

Gene: OTC (ornithine transcarbamylase; plus strand). Cytogenetic location: Xp11.4.
Variant type: single nucleotide variant.
Coding change: c.1004T>C on transcript NM_000531.6 (MANE Select); coding-DNA position 1004, T replaced by C.
Protein change: p.Met335Thr; replaces methionine 335 with threonine.
Molecular consequence: missense variant.
Genome position (GRCh38, 1-based): chrX:38,411,998, T>C. VCF-style: chrX-38411998-T-C. GRCh37 (hg19) VCF-style: chrX-38271251-T-C.
Other names: c.1004T>C, p.Met335Thr (NM_001407092.1); short protein forms M335T.
Identifiers: ClinVar variation 3073730 (VCV003073730.1), dbSNP rs2519981708, ClinGen allele CA412726918.

ClinVar aggregate classification (germline): Uncertain significance (1 of 4 stars; one submission).

Conditions:
Ornithine carbamoyltransferase deficiency (OTCD). Also called: ORNITHINE TRANSCARBAMYLASE DEFICIENCY; ORNITHINE TRANSCARBAMYLASE DEFICIENCY, HYPERAMMONEMIA DUE TO; OTC DEFICIENCY; Ornithine Carbamoyltransferase Deficiency Disease. Identifiers: Orphanet 664, MedGen C0268542, MONDO:0010703, OMIM 311250.

Submission:

All of Us Research Program, National Institutes of Health
Classification: Uncertain significance for Ornithine carbamoyltransferase deficiency. Last evaluated: 2023-10-06. Review status: criteria provided, single submitter. Criteria: ACMG Guidelines, 2015. Collection method: clinical testing. Allele origin: germline. Inheritance: X-linked inheritance. Observed: 1 variant allele, 1 hemizygote.
Comment: This missense variant replaces methionine with threonine at codon 335 of the OTC protein. Computational prediction suggests that this variant may have deleterious impact on protein structure and function (internally defined REVEL score threshold >= 0.7, PMID: 27666373). To our knowledge, functional studies have not been reported for this variant. This variant has not been reported in individuals affected with OTC-related disorders in the literature. This variant has not been identified in the general population by the Genome Aggregation Database (gnomAD). The available evidence is insufficient to determine the role of this variant in disease conclusively. Therefore, this variant is classified as a Variant of Uncertain Significance.

This study involves interpretation of variants in research participants for the purpose of population health screening. Participant phenotype was not available at the time of variant classification. Additional details can be found in publication PMID: 35346344, PMCID: PMC8962531